The following is an entry in ClinVar:

NM_000780.4(CYP7A1):c.1039+3G>T

Gene: CYP7A1 (cytochrome P450 family 7 subfamily A member 1; minus strand). Cytogenetic location: 8q12.1.
Variant type: single nucleotide variant.
Coding change: c.1039+3G>T on transcript NM_000780.4 (MANE Select); 3 bases into the intron after coding-DNA position 1039, G replaced by T.
Molecular consequence: intron variant.
Genome position (GRCh38, 1-based): chr8:58,494,503, C>A on the plus strand (G>T on the coding strand, the complement: CYP7A1 is on the minus strand). VCF-style: chr8-58494503-C-A. GRCh37 (hg19) VCF-style: chr8-59407062-C-A.
Identifiers: ClinVar variation 4984614 (VCV004984614.1).

ClinVar aggregate classification (germline): Likely benign (1 of 4 stars; one submission).

Conditions:
CYP7A1-related disorder. Also called: CYP7A1-related condition.

gnomAD v4.1: 5 of 1,613,808 alleles (0.00031%); highest among the groups gnomAD compares: African/African-American, 0.0067%; no homozygotes.

Submission:

PreventionGenetics, part of Exact Sciences
Classification: Likely benign for CYP7A1-related condition. Last evaluated: 2024-10-14. Review status: criteria provided, single submitter. Criteria: ACMG Guidelines, 2015. Collection method: clinical testing. Allele origin: germline.
Comment: This variant is classified as likely benign based on ACMG/AMP sequence variant interpretation guidelines (Richards et al. 2015 PMID: 25741868, with internal and published modifications).